The following is an entry in ClinVar:

ClinVar aggregate classification (germline): Pathogenic (1 of 4 stars; one submission).

Conditions:
Hereditary cancer-predisposing syndrome. Also called: Hereditary Cancer Syndrome; Hereditary neoplastic syndrome; Neoplastic Syndromes, Hereditary; Tumor predisposition. Identifiers: Orphanet 140162, MedGen C0027672, MeSH D009386, MONDO:0015356.

Submission:

Ambry Genetics
Classification: Pathogenic for Hereditary cancer-predisposing syndrome. Last evaluated: 2018-01-10. Review status: criteria provided, single submitter. Criteria: Ambry Variant Classification Scheme 2023. Collection method: clinical testing. Allele origin: germline.
Comment: The c.4300delA pathogenic mutation, located in coding exon 15 of the APC gene, results from a deletion of one nucleotide at nucleotide position 4300, causing a translational frameshift with a predicted alternate stop codon (p.S1434Afs*39). This alteration was identified in 1/863 French patients with FAP. (Lagarde A et al. J. Med. Genet. 2010 Oct;47:721-2). In addition to the clinical data presented in the literature, this alteration is expected to result in loss of function by premature protein truncation. As such, this alteration is interpreted as a disease-causing mutation.

Literature cited by the submitters: PubMed 20685668.

NM_000038.6(APC):c.4300del (p.Ser1434fs)

Gene: APC (APC regulator of Wnt signaling pathway; plus strand). Cytogenetic location: 5q22.2.
Variant type: Deletion.
Coding change: c.4300del on transcript NM_000038.6 (MANE Select); coding-DNA position 4300, one base deleted (A; older notation c.4300delA).
Protein change: p.Ser1434fs; shifts the reading frame from serine 1434.
Molecular consequence: frameshift variant.
Genome position (GRCh38, 1-based): chr5:112,839,894, A deleted; the last of 2 consecutive A bases (chr5:112,839,893-112,839,894); deleting either gives the same sequence. VCF-style (leftmost placement, unchanged base first): chr5-112839892-CA-C. GRCh37 (hg19) VCF-style: chr5-112175589-CA-C.
Other names: c.4177del, p.Ser1393fs (NM_001354900.2); c.4027del, p.Ser1343fs (NM_001354902.2); c.3922del, p.Ser1308fs (NM_001354904.2); c.3820del, p.Ser1274fs (NM_001354905.2); c.4123del, p.Ser1375fs (NM_001354901.2); c.4354delA, p.Ser1452Alafs (NM_001407447.1, NM_001407448.1, NM_001407449.1); c.3997del, p.Ser1333fs (NM_001354903.2); c.3451del, p.Ser1151fs (NM_001354906.2); and 16 more; short protein forms S1416fs, S1434fs, S1274fs, S1343fs, S1393fs, S1375fs, S1409fs, S1444fs.
Identifiers: ClinVar variation 1739557 (VCV001739557.2), dbSNP rs2533563824, ClinGen allele CA658760689.
Genomic context (GRCh38, chr5:112,839,892, plus strand): 5'-TGGTAAGTGGCATTATAAGCCCCAGTGATCTTCCAGATAGCCCTGGACAAACCATGCCAC[CA>C]AGCAGAAGTAAAACACCTCCACCACCTCCTCAAACAGCTCAAACCAAGCGAGAAGTACCT-3'